The following is an entry in ClinVar:

ClinVar aggregate classification (germline): Pathogenic (1 of 4 stars; one submission).

Submission:

ISCA site 4
Classification: Pathogenic. Last evaluated: 2011-08-12. Review status: criteria provided, single submitter. Criteria: Kaminsky et al. (Genet Med. 2011). Collection method: clinical testing. Allele origin: unknown. Affected: yes. Observed: 1 variant allele.
Comment: Copy number variation identified through the course of routine clinical cytogenomic testing in postnatal populations. Clinical assertions have been curated as described in Kaminsky et al. 2011.

GRCh38/hg38 17p11.2(chr17:16879232-18970941)x3

Genes: ALKBH5 (alkB homolog 5, RNA demethylase; plus strand), ATPAF2 (ATP synthase mitochondrial F1 complex assembly factor 2; minus strand), COPS3 (COP9 signalosome subunit 3; minus strand), DRC3 (dynein regulatory complex subunit 3; plus strand), DRG2 (developmentally regulated GTP binding protein 2; plus strand) and 158 more. Cytogenetic location: 17p11.2.
Variant type: copy number gain.
Change: copy number 3 (three copies instead of two) of chr17:16,879,232-18,970,941 (2.09 Mb, GRCh38 coordinates, 1-based), cytogenetic band 17p11.2.
Identifiers: ClinVar variation 57224 (VCV000057224.1).